The following is an entry in ClinVar:

ClinVar aggregate classification (germline): Conflicting classifications of pathogenicity. Review status: criteria provided, conflicting classifications (1 of 4 stars). 7 submissions from 7 submitters: Pathogenic (1); Uncertain significance (4). 2 of the submissions do not count toward it. Last evaluated 2023-09-04.

Conditions:
Spastic ataxia 2. Also called: Ataxia, spastic, 2, autosomal recessive. Identifiers: Orphanet 397946, MedGen C1969796, MONDO:0012651, OMIM 611302.
Hereditary spastic paraplegia. Also called: Familial spastic paraparesis. Identifiers: Orphanet 685, MedGen C0037773, MONDO:0019064. Disease mechanism: loss of function.

Allele frequency attached by ClinVar (database versions not stated): ExAC 0.00007; gnomAD 0.00011 and 0.00014; TOPMed 0.00017; 1000 Genomes Project 0.00020; 1000 Genomes Project 30x 0.00031.
gnomAD v4.1: 110 of 1,522,766 alleles (0.0072%); highest among the groups gnomAD compares: Admixed American, 0.022%; 1 homozygote.

Submissions (7):

Molecular Genetics, Royal Melbourne Hospital
Classification: Uncertain significance for Spastic ataxia 2. Last evaluated: 2023-09-04. Review status: criteria provided, single submitter. Criteria: ACMG Guidelines, 2015. Collection method: clinical testing. Allele origin: germline. Inheritance: Autosomal recessive inheritance.

Labcorp Genetics (formerly Invitae), Labcorp
Classification: Uncertain significance for Spastic ataxia 2. Last evaluated: 2022-10-17. Review status: criteria provided, single submitter. Criteria: Invitae Variant Classification Sherloc (09022015). Collection method: clinical testing. Allele origin: germline.
Comment: This sequence change replaces aspartic acid, which is acidic and polar, with asparagine, which is neutral and polar, at codon 974 of the KIF1C protein (p.Asp974Asn). This variant is present in population databases (rs550136320, gnomAD 0.03%). This missense change has been observed in individual(s) with cerebellar ataxia (PMID: 29482223). ClinVar contains an entry for this variant (Variation ID: 450100). Algorithms developed to predict the effect of missense changes on protein structure and function are either unavailable or do not agree on the potential impact of this missense change (SIFT: "Deleterious"; PolyPhen-2: "Possibly Damaging"; Align-GVGD: "Class C0"). In summary, the available evidence is currently insufficient to determine the role of this variant in disease. Therefore, it has been classified as a Variant of Uncertain Significance.

GeneDx
Classification: Uncertain significance. Last evaluated: 2019-12-13. Review status: criteria provided, single submitter. Criteria: GeneDx Variant Classification Process June 2021. Collection method: clinical testing. Allele origin: germline. Affected: yes.
Comment: In silico analysis, which includes protein predictors and evolutionary conservation, supports that this variant does not alter protein structure/function; Reported previously as a variant of uncertain significance in a patient with cerebellar ataxia, with another KIF1C variant; phase was not determined (Coutelier et al., 2018); This variant is associated with the following publications: (PMID: 29482223)

Genome Diagnostics Laboratory, The Hospital for Sick Children
Classification: Uncertain significance for Hereditary spastic paraplegia. Last evaluated: 2017-02-08. Review status: criteria provided, single submitter. Criteria: ACMG Guidelines, 2015. Collection method: clinical testing. Allele origin: germline. Affected: yes.

Paris Brain Institute, Inserm - ICM
Classification: Pathogenic for Spastic ataxia 2. Review status: criteria provided, single submitter. Criteria: ACMG Guidelines, 2015. Collection method: clinical testing. Allele origin: unknown. Affected: yes. Observed: 1 variant allele.

Clinical Genetics DNA and cytogenetics Diagnostics Lab, Erasmus MC, Erasmus Medical Center
Classification: Uncertain significance. Review status: no assertion criteria provided. Collection method: clinical testing. Allele origin: germline. Affected: yes. Study: VKGL Data-share Consensus. Not counted in ClinVar's aggregate classification.

Genome Diagnostics Laboratory, Amsterdam University Medical Center
Classification: Uncertain significance. Review status: no assertion criteria provided. Collection method: clinical testing. Allele origin: germline. Affected: yes. Study: VKGL Data-share Consensus. Not counted in ClinVar's aggregate classification.

Literature cited by the submitters: PubMed 29482223 (cited by Labcorp Genetics (formerly Invitae), Labcorp).

NM_006612.6(KIF1C):c.2920G>A (p.Asp974Asn)

Gene: KIF1C (kinesin family member 1C; plus strand). Cytogenetic location: 17p13.2.
Variant type: single nucleotide variant.
Coding change: c.2920G>A on transcript NM_006612.6 (MANE Select); coding-DNA position 2920, G replaced by A.
Protein change: p.Asp974Asn; replaces aspartic acid 974 with asparagine.
Molecular consequence: missense variant.
Genome position (GRCh38, 1-based): chr17:5,023,759, G>A. VCF-style: chr17-5023759-G-A. GRCh37 (hg19) VCF-style: chr17-4927054-G-A.
Other names: short protein forms D974N.
Identifiers: ClinVar variation 450100 (VCV000450100.18), dbSNP rs550136320, ClinGen allele CA8319435.